The following is an entry in ClinVar:

ClinVar aggregate classification (germline): Uncertain significance (1 of 4 stars; one submission).

Conditions:
Dyskeratosis congenita, autosomal recessive 1. Identifiers: Orphanet 1775, MedGen C1857144, MONDO:0009136, OMIM 224230.

Allele frequency attached by ClinVar (database versions not stated): gnomAD exomes below 0.00001; TOPMed below 0.00001; gnomAD 0.00001.
gnomAD v4.1: 2 of 1,613,908 alleles (0.00012%); highest among the groups gnomAD compares: Admixed American, 0.0033%; no homozygotes.

Submission:

Labcorp Genetics (formerly Invitae), Labcorp
Classification: Uncertain significance for Dyskeratosis congenita, autosomal recessive 1. Last evaluated: 2022-06-22. Review status: criteria provided, single submitter. Criteria: Invitae Variant Classification Sherloc (09022015). Collection method: clinical testing. Allele origin: germline.
Comment: This sequence change replaces proline, which is neutral and non-polar, with leucine, which is neutral and non-polar, at codon 62 of the NOP10 protein (p.Pro62Leu). This variant is not present in population databases (gnomAD no frequency). This variant has not been reported in the literature in individuals affected with NOP10-related conditions. Algorithms developed to predict the effect of missense changes on protein structure and function output the following: SIFT: "Deleterious"; PolyPhen-2: "Benign"; Align-GVGD: "Class C0". The leucine amino acid residue is found in multiple mammalian species, which suggests that this missense change does not adversely affect protein function. In summary, the available evidence is currently insufficient to determine the role of this variant in disease. Therefore, it has been classified as a Variant of Uncertain Significance.

NM_018648.4(NOP10):c.185C>T (p.Pro62Leu)

Gene: NOP10 (NOP10 ribonucleoprotein; minus strand). Cytogenetic location: 15q14.
Variant type: single nucleotide variant.
Coding change: c.185C>T on transcript NM_018648.4 (MANE Select); coding-DNA position 185, C replaced by T.
Protein change: p.Pro62Leu; replaces proline 62 with leucine.
Molecular consequence: missense variant.
Genome position (GRCh38, 1-based): chr15:34,341,978, G>A on the plus strand (C>T on the coding strand, the complement: NOP10 is on the minus strand). VCF-style: chr15-34341978-G-A. GRCh37 (hg19) VCF-style: chr15-34634179-G-A.
Other names: short protein forms P62L.
Identifiers: ClinVar variation 2150118 (VCV002150118.1), dbSNP rs1042150335, ClinGen allele CA268645224.
Genomic context (GRCh38, chr15:34,341,978, plus strand): 5'-AGTCTCCGAGGGGTAACAGGTGGCAGAAAAGACATCAGTTTAAGGGACCCTCAGAGGACA[G>A]GGCGCGGTTGCTGGGTCATGAGCACCTTGAAGCGTTTCTTGATGGTGATTCGGTGTCGAG-3'
Protein context (NP_061118.1, residues 52-64): FKVLMTQQPR[Pro62Leu]VL